The following is an entry in ClinVar:

NM_003803.4(MYOM1):c.396G>T (p.Leu132Phe)

Gene: MYOM1 (myomesin 1; minus strand). Cytogenetic location: 18p11.31.
Variant type: single nucleotide variant.
Coding change: c.396G>T on transcript NM_003803.4 (MANE Select); coding-DNA position 396, G replaced by T.
Protein change: p.Leu132Phe; replaces leucine 132 with phenylalanine.
Molecular consequence: missense variant.
Genome position (GRCh38, 1-based): chr18:3,193,853, C>A on the plus strand (G>T on the coding strand, the complement: MYOM1 is on the minus strand). VCF-style: chr18-3193853-C-A. GRCh37 (hg19) VCF-style: chr18-3193851-C-A.
Other names: c.396G>T, p.Leu132Phe (NM_019856.2); short protein forms L132F.
Identifiers: ClinVar variation 2874856 (VCV002874856.3), dbSNP rs1399297084, ClinGen allele CA401717201.

ClinVar aggregate classification (germline): Uncertain significance (1 of 4 stars; one submission).

Conditions:
Hypertrophic cardiomyopathy. Also called: HYPERTROPHIC MYOCARDIOPATHY. Identifiers: Orphanet 217569, MedGen C0007194, MeSH D002312, MONDO:0005045, HP:0001639.

Allele frequency attached by ClinVar (database versions not stated): TOPMed below 0.00001; gnomAD exomes below 0.00001; gnomAD 0.00001.
gnomAD v4.1: 6 of 1,613,638 alleles (0.00037%); highest among the groups gnomAD compares: Non-Finnish European, 0.00051%; no homozygotes.

Submission:

Labcorp Genetics (formerly Invitae), Labcorp
Classification: Uncertain significance for Hypertrophic cardiomyopathy. Last evaluated: 2025-11-17. Review status: criteria provided, single submitter. Criteria: Invitae Variant Classification Sherloc (09022015). Collection method: clinical testing. Allele origin: germline.
Comment: This sequence change replaces leucine, which is neutral and non-polar, with phenylalanine, which is neutral and non-polar, at codon 132 of the MYOM1 protein (p.Leu132Phe). This variant is not present in population databases (gnomAD no frequency). This variant has not been reported in the literature in individuals affected with MYOM1-related conditions. ClinVar contains an entry for this variant (Variation ID: 2874856). An algorithm developed to predict the effect of missense changes on protein structure and function (PolyPhen-2) suggests that this variant is likely to be tolerated. In summary, the available evidence is currently insufficient to determine the role of this variant in disease. Therefore, it has been classified as a Variant of Uncertain Significance.